The following is an entry in ClinVar:

NM_173728.4(ARHGEF15):c.1421+3C>G

Gene: ARHGEF15 (Rho guanine nucleotide exchange factor 15; plus strand). Cytogenetic location: 17p13.1.
Variant type: single nucleotide variant.
Coding change: c.1421+3C>G on transcript NM_173728.4 (MANE Select); 3 bases into the intron after coding-DNA position 1421, C replaced by G.
Molecular consequence: intron variant.
Genome position (GRCh38, 1-based): chr17:8,315,577, C>G. VCF-style: chr17-8315577-C-G. GRCh37 (hg19) VCF-style: chr17-8218895-C-G.
Other names: c.1421+3C>G (NM_025014.2).
Identifiers: ClinVar variation 1421608 (VCV001421608.7), dbSNP rs1343482355, ClinGen allele CA497784996.

ClinVar aggregate classification (germline): Uncertain significance (1 of 4 stars; one submission).

Conditions:
Early-infantile DEE. Also called: Ohtahara syndrome; Early infantile epileptic encephalopathy with suppression bursts; Early infantile epileptic encephalopathy. Identifiers: Orphanet 1934, MedGen C0393706, MONDO:0800491.

gnomAD v4.1: 3 of 1,607,128 alleles (0.00019%); highest among the groups gnomAD compares: African/African-American, 0.0013%; no homozygotes.

Submission:

Labcorp Genetics (formerly Invitae), Labcorp
Classification: Uncertain significance for Early-infantile DEE. Last evaluated: 2022-02-05. Review status: criteria provided, single submitter. Criteria: Invitae Variant Classification Sherloc (09022015). Collection method: clinical testing. Allele origin: germline.
Comment: Variants that disrupt the consensus splice site are a relatively common cause of aberrant splicing (PMID: 17576681, 9536098). Algorithms developed to predict the effect of sequence changes on RNA splicing suggest that this variant is not likely to affect RNA splicing. This variant has not been reported in the literature in individuals affected with ARHGEF15-related conditions. This variant is not present in population databases (gnomAD no frequency). This sequence change falls in intron 7 of the ARHGEF15 gene. It does not directly change the encoded amino acid sequence of the ARHGEF15 protein. It affects a nucleotide within the consensus splice site. In summary, the available evidence is currently insufficient to determine the role of this variant in disease. Therefore, it has been classified as a Variant of Uncertain Significance.

Literature cited by the submitters: PubMed 17576681; PubMed 9536098.